The following is an entry in ClinVar:

ClinVar aggregate classification (germline): Uncertain significance. Review status: criteria provided, single submitter (1 of 4 stars). 2 submissions from 2 submitters: Uncertain significance (1). 1 of the submissions does not count toward it. Last evaluated 2022-04-13.

Conditions:
Inborn genetic diseases. Identifiers: MedGen C0950123, MeSH D030342.
PCNT-related disorder. Also called: PCNT-related condition.

Allele frequency attached by ClinVar (database versions not stated): gnomAD exomes below 0.00001; gnomAD 0.00001; TOPMed 0.00001.
gnomAD v4.1: 6 of 1,566,680 alleles (0.00038%); highest among the groups gnomAD compares: Admixed American, 0.0056%; no homozygotes.

Submissions (2):

Ambry Genetics
Classification: Uncertain significance for Inborn genetic diseases. Last evaluated: 2022-04-13. Review status: criteria provided, single submitter. Criteria: Ambry Variant Classification Scheme 2023. Collection method: clinical testing. Allele origin: germline.

PreventionGenetics, part of Exact Sciences
Classification: Uncertain significance for PCNT-related condition. Last evaluated: 2024-06-29. Review status: no assertion criteria provided. Collection method: clinical testing. Allele origin: germline. Not counted in ClinVar's aggregate classification.
Comment: The PCNT c.8004G>T variant is predicted to result in the amino acid substitution p.Gln2668His. To our knowledge, this variant has not been reported in the literature. This variant is reported in 0.0074% of alleles in individuals of Latino descent in gnomAD. At this time, the clinical significance of this variant is uncertain due to the absence of conclusive functional and genetic evidence.

NM_006031.6(PCNT):c.8004G>T (p.Gln2668His)

Gene: PCNT (pericentrin; plus strand). Cytogenetic location: 21q22.3.
Variant type: single nucleotide variant.
Coding change: c.8004G>T on transcript NM_006031.6 (MANE Select); coding-DNA position 8004, G replaced by T.
Protein change: p.Gln2668His; replaces glutamine 2668 with histidine.
Molecular consequence: missense variant.
Genome position (GRCh38, 1-based): chr21:46,430,597, G>T. VCF-style: chr21-46430597-G-T. GRCh37 (hg19) VCF-style: chr21-47850511-G-T.
Other names: c.7650G>T, p.Gln2550His (NM_001315529.2); short protein forms Q2550H, Q2668H.
Identifiers: ClinVar variation 2284273 (VCV002284273.3), dbSNP rs1170801639, ClinGen allele CA410572256.